The following is an entry in ClinVar:

ClinVar aggregate classification (germline): Likely benign (1 of 4 stars; one submission).

Conditions:
PCNT-related disorder. Also called: PCNT-related condition.

Submission:

PreventionGenetics, part of Exact Sciences
Classification: Likely benign for PCNT-related condition. Last evaluated: 2024-10-10. Review status: criteria provided, single submitter. Criteria: ACMG Guidelines, 2015. Collection method: clinical testing. Allele origin: germline.
Comment: This variant is classified as likely benign based on ACMG/AMP sequence variant interpretation guidelines (Richards et al. 2015 PMID: 25741868, with internal and published modifications).

NM_006031.6(PCNT):c.4563+10T>C

Gene: PCNT (pericentrin; plus strand). Cytogenetic location: 21q22.3.
Variant type: single nucleotide variant.
Coding change: c.4563+10T>C on transcript NM_006031.6 (MANE Select); 10 bases into the intron after coding-DNA position 4563, T replaced by C.
Molecular consequence: intron variant.
Genome position (GRCh38, 1-based): chr21:46,398,140, T>C. VCF-style: chr21-46398140-T-C. GRCh37 (hg19) VCF-style: chr21-47818054-T-C.
Other names: c.4209+10T>C (NM_001315529.2).
Identifiers: ClinVar variation 4997826 (VCV004997826.1).